The following is an entry in ClinVar:

ClinVar aggregate classification (germline): Uncertain significance (1 of 4 stars; one submission).

Allele frequency attached by ClinVar (database versions not stated): gnomAD exomes below 0.00001; TOPMed 0.00001.
gnomAD v4.1: 1 of 1,612,958 alleles (0.000062%); highest among the groups gnomAD compares: Non-Finnish European, 0.000085%; no homozygotes.

Submission:

Labcorp Genetics (formerly Invitae), Labcorp
Classification: Uncertain significance. Last evaluated: 2022-02-06. Review status: criteria provided, single submitter. Criteria: Invitae Variant Classification Sherloc (09022015). Collection method: clinical testing. Allele origin: germline.
Comment: In summary, the available evidence is currently insufficient to determine the role of this variant in disease. Therefore, it has been classified as a Variant of Uncertain Significance. This variant has not been reported in the literature in individuals affected with ACTN4-related conditions. Algorithms developed to predict the effect of missense changes on protein structure and function are either unavailable or do not agree on the potential impact of this missense change (SIFT: "Not Available"; PolyPhen-2: "Benign"; Align-GVGD: "Not Available"). This variant is not present in population databases (gnomAD no frequency). This sequence change replaces lysine, which is basic and polar, with glutamic acid, which is acidic and polar, at codon 518 of the ACTN4 protein (p.Lys518Glu).

NM_004924.6(ACTN4):c.1552A>G (p.Lys518Glu)

Gene: ACTN4 (actinin alpha 4; plus strand). Cytogenetic location: 19q13.2.
Variant type: single nucleotide variant.
Coding change: c.1552A>G on transcript NM_004924.6 (MANE Select); coding-DNA position 1552, A replaced by G.
Protein change: p.Lys518Glu; replaces lysine 518 with glutamic acid.
Molecular consequence: missense variant.
Genome position (GRCh38, 1-based): chr19:38,723,937, A>G. VCF-style: chr19-38723937-A-G. GRCh37 (hg19) VCF-style: chr19-39214577-A-G.
Other names: c.1552A>G, p.Lys518Glu (NM_001322033.2, NM_001411143.1); short protein forms K518E.
Identifiers: ClinVar variation 1954191 (VCV001954191.5), dbSNP rs1969136947, ClinGen allele CA405694064.